The following is an entry in ClinVar:

NM_006648.4(WNK2):c.4559G>C (p.Gly1520Ala)

Gene: WNK2 (WNK lysine deficient protein kinase 2; plus strand). Cytogenetic location: 9q22.31.
Variant type: single nucleotide variant.
Coding change: c.4559G>C on transcript NM_006648.4 (MANE Select); coding-DNA position 4559, G replaced by C.
Protein change: p.Gly1520Ala; replaces glycine 1520 with alanine.
Molecular consequence: missense variant.
Genome position (GRCh38, 1-based): chr9:93,289,313, G>C. VCF-style: chr9-93289313-G-C. GRCh37 (hg19) VCF-style: chr9-96051595-G-C.
Other names: c.4670G>C, p.Gly1557Ala (NM_001282394.3); short protein forms G1557A, G1520A.
Identifiers: ClinVar variation 3470116 (VCV003470116.1).

ClinVar aggregate classification (germline): Uncertain significance (1 of 4 stars; one submission).

gnomAD v4.1: 10 of 1,599,628 alleles (0.00063%); highest among the groups gnomAD compares: Admixed American, 0.012%; 1 homozygote.

Submission:

Ambry Genetics
Classification: Uncertain significance. Last evaluated: 2024-10-15. Review status: criteria provided, single submitter. Criteria: Ambry Variant Classification Scheme 2023. Collection method: clinical testing. Allele origin: germline.
Comment: The p.G1520A variant (also known as c.4559G>C), located in coding exon 19 of the WNK2 gene, results from a G to C substitution at nucleotide position 4559. The glycine at codon 1520 is replaced by alanine, an amino acid with similar properties. This amino acid position is conserved. In addition, this alteration is predicted to be tolerated by in silico analysis. Based on the available evidence, the clinical significance of this variant remains unclear.